The following is an entry in ClinVar:

ClinVar aggregate classification (germline): Uncertain significance (1 of 4 stars; one submission).

Submission:

GeneDx
Classification: Uncertain significance. Last evaluated: 2025-05-22. Review status: criteria provided, single submitter. Criteria: GeneDx Variant Classification Process June 2021. Collection method: clinical testing. Allele origin: germline. Affected: yes.
Comment: Not observed at significant frequency in large population cohorts (gnomAD); In silico analysis supports that this missense variant has a deleterious effect on protein structure/function; Has not been previously published as pathogenic or benign to our knowledge

NM_001393769.1(MED12L):c.5050A>G (p.Asn1684Asp)

Gene: MED12L (mediator complex subunit 12L; plus strand). Cytogenetic location: 3q25.1.
Variant type: single nucleotide variant.
Coding change: c.5050A>G on transcript NM_001393769.1 (MANE Select); coding-DNA position 5050, A replaced by G.
Protein change: p.Asn1684Asp; replaces asparagine 1684 with aspartic acid.
Molecular consequence: missense variant.
Genome position (GRCh38, 1-based): chr3:151,385,153, A>G. VCF-style: chr3-151385153-A-G. GRCh37 (hg19) VCF-style: chr3-151102941-A-G.
Other names: c.4945A>G, p.Asn1649Asp (NM_053002.6); short protein forms N1649D, N1684D.
Identifiers: ClinVar variation 4531037 (VCV004531037.1).